The following is an entry in ClinVar:

ClinVar aggregate classification (germline): Uncertain significance (1 of 4 stars; one submission).

Conditions:
Cardiac arrhythmia. Also called: Arrhythmia; Cardiac rhythm disease. Identifiers: MedGen C0003811, MONDO:0007263, HP:0011675.

gnomAD v4.1: 3 of 1,613,974 alleles (0.00019%); highest among the groups gnomAD compares: Non-Finnish European, 0.00025%; no homozygotes.

Submission:

Color Diagnostics, LLC DBA Color Health
Classification: Uncertain significance for Cardiac arrhythmia. Last evaluated: 2019-01-10. Review status: criteria provided, single submitter. Criteria: ACMG Guidelines, 2015. Collection method: clinical testing. Allele origin: germline.
Comment: Variant of Uncertain Significance due to insufficient evidence: This missense variant is located in the C-terminal cytoplasmic domain of the KCNQ1 protein. Computational prediction tools and conservation analyses are inconclusive regarding the impact of this variant on the protein function. Computational splicing tools suggest that this variant may not impact RNA splicing. To our knowledge, functional assays have not been performed for this variant nor has this variant been reported in individuals affected with cardiovascular disorders in the literature. This variant is rare in the general population and has been identified in 0/277264 chromosomes by the Genome Aggregation Database (gnomAD). Available evidence is insufficient to determine the role of this variant in disease conclusively.

NM_000218.3(KCNQ1):c.1211C>G (p.Thr404Ser)

Gene: KCNQ1 (potassium voltage-gated channel subfamily Q member 1; plus strand). Cytogenetic location: 11p15.5.
Variant type: single nucleotide variant.
Coding change: c.1211C>G on transcript NM_000218.3 (MANE Select); coding-DNA position 1211, C replaced by G.
Protein change: p.Thr404Ser; replaces threonine 404 with serine.
Molecular consequence: missense variant.
Genome position (GRCh38, 1-based): chr11:2,587,652, C>G. VCF-style: chr11-2587652-C-G. GRCh37 (hg19) VCF-style: chr11-2608882-C-G.
Other names: c.1115C>G, p.Thr372Ser (NM_001406836.1); c.941C>G, p.Thr314Ser (NM_001406837.1); c.671C>G, p.Thr224Ser (NM_001406838.1); c.830C>G, p.Thr277Ser (NM_181798.2); short protein forms T277S, T404S, T314S, T372S, T224S.
Identifiers: ClinVar variation 918527 (VCV000918527.6), dbSNP rs1490239200, ClinGen allele CA379134802.